The following is an entry in ClinVar:

ClinVar aggregate classification (germline): Uncertain significance (1 of 4 stars; one submission).

Conditions:
Hereditary cancer-predisposing syndrome. Also called: Tumor predisposition; Hereditary neoplastic syndrome; Hereditary Cancer Syndrome; Neoplastic Syndromes, Hereditary. Identifiers: Orphanet 140162, MedGen C0027672, MeSH D009386, MONDO:0015356.

Submission:

Ambry Genetics
Classification: Uncertain significance for Hereditary cancer-predisposing syndrome. Last evaluated: 2025-03-29. Review status: criteria provided, single submitter. Criteria: Ambry Variant Classification Scheme 2023. Collection method: clinical testing. Allele origin: germline.
Comment: The p.E492K variant (also known as c.1474G>A), located in coding exon 10 of the RAD50 gene, results from a G to A substitution at nucleotide position 1474. The glutamic acid at codon 492 is replaced by lysine, an amino acid with similar properties. This amino acid position is conserved. In addition, this alteration is predicted to be tolerated by in silico analysis. Based on the available evidence, the clinical significance of this variant remains unclear.

NM_005732.4(RAD50):c.1474G>A (p.Glu492Lys)

Gene: RAD50 (RAD50 double strand break repair protein; plus strand). Cytogenetic location: 5q31.1.
Variant type: single nucleotide variant.
Coding change: c.1474G>A on transcript NM_005732.4 (MANE Select); coding-DNA position 1474, G replaced by A.
Protein change: p.Glu492Lys; replaces glutamic acid 492 with lysine.
Molecular consequence: missense variant.
Genome position (GRCh38, 1-based): chr5:132,591,245, G>A. VCF-style: chr5-132591245-G-A. GRCh37 (hg19) VCF-style: chr5-131926937-G-A.
Other names: short protein forms E492K.
Identifiers: ClinVar variation 3942161 (VCV003942161.1).